The following is an entry in ClinVar:

NM_001983.4(ERCC1):c.500G>A (p.Arg167Gln)

Gene: ERCC1 (ERCC excision repair 1, endonuclease non-catalytic subunit; minus strand). Cytogenetic location: 19q13.32.
Variant type: single nucleotide variant.
Coding change: c.500G>A on transcript NM_001983.4 (MANE Select); coding-DNA position 500, G replaced by A.
Protein change: p.Arg167Gln; replaces arginine 167 with glutamine.
Molecular consequence: missense variant.
Genome position (GRCh38, 1-based): chr19:45,419,123, C>T on the plus strand (G>A on the coding strand, the complement: ERCC1 is on the minus strand). VCF-style: chr19-45419123-C-T. GRCh37 (hg19) VCF-style: chr19-45922381-C-T.
Other names: c.500G>A, p.Arg167Gln (NM_001166049.2, NM_001369408.1, NM_001369409.1 and 11 more transcripts); short protein forms R167Q.
Identifiers: ClinVar variation 4703812 (VCV004703812.1).

ClinVar aggregate classification (germline): Uncertain significance (1 of 4 stars; one submission).

gnomAD v4.1: 96 of 1,588,246 alleles (0.006%); highest among the groups gnomAD compares: Non-Finnish European, 0.004%; no homozygotes.

Submission:

Labcorp Genetics (formerly Invitae), Labcorp
Classification: Uncertain significance. Last evaluated: 2025-04-09. Review status: criteria provided, single submitter. Criteria: Invitae Variant Classification Sherloc (09022015). Collection method: clinical testing. Allele origin: germline.
Comment: This sequence change replaces arginine, which is basic and polar, with glutamine, which is neutral and polar, at codon 167 of the ERCC1 protein (p.Arg167Gln). This variant is present in population databases (rs765054963, gnomAD 0.06%). This variant has not been reported in the literature in individuals affected with ERCC1-related conditions. An algorithm developed to predict the effect of missense changes on protein structure and function (PolyPhen-2) suggests that this variant is likely to be disruptive. In summary, the available evidence is currently insufficient to determine the role of this variant in disease. Therefore, it has been classified as a Variant of Uncertain Significance.